The following is an entry in ClinVar:

ClinVar aggregate classification (germline): Benign (1 of 4 stars; one submission).

Conditions:
Familial adenomatous polyposis 1 (FAP1). Also called: POLYPOSIS, ADENOMATOUS INTESTINAL; FAMILIAL ADENOMATOUS POLYPOSIS 1, ATTENUATED. Identifiers: MedGen C2713442, MONDO:0021056, OMIM 175100. Disease mechanism: loss of function.

gnomAD v4.1: 1 of 1,614,228 alleles (0.000062%); highest among the groups gnomAD compares: Non-Finnish European, 0.000085%; no homozygotes.

Submission:

Myriad Genetics, Inc.
Classification: Benign for Familial adenomatous polyposis 1. Last evaluated: 2024-03-27. Review status: criteria provided, single submitter. Criteria: Myriad Autosomal Dominant, Autosomal Recessive and X-Linked Classification Criteria (2023). Collection method: clinical testing. Allele origin: unknown.
Comment: This variant is considered benign. This variant is a silent/synonymous amino acid change and it is not expected to impact splicing.

NM_000038.6(APC):c.4659A>G (p.Ala1553=)

Gene: APC (APC regulator of Wnt signaling pathway; plus strand). Cytogenetic location: 5q22.2.
Variant type: single nucleotide variant.
Coding change: c.4659A>G on transcript NM_000038.6 (MANE Select); coding-DNA position 4659, A replaced by G.
Protein change: p.Ala1553=; no amino-acid change (alanine 1553 retained).
Molecular consequence: synonymous variant. On other transcripts: non-coding transcript variant (2).
Genome position (GRCh38, 1-based): chr5:112,840,253, A>G. VCF-style: chr5-112840253-A-G. GRCh37 (hg19) VCF-style: chr5-112175950-A-G.
Other names: c.4659A>G, p.Ala1553= (NM_001127510.3, NM_001354895.2, NM_001407450.1); c.4605A>G, p.Ala1535= (NM_001127511.3); c.4713A>G, p.Ala1571= (NM_001354896.2, NM_001407447.1, NM_001407448.1 and 1 more transcripts); c.4689A>G, p.Ala1563= (NM_001354897.2); c.4584A>G, p.Ala1528= (NM_001354898.2); c.4575A>G, p.Ala1525= (NM_001354899.2); c.4536A>G, p.Ala1512= (NM_001354900.2); c.4482A>G, p.Ala1494= (NM_001354901.2, NM_001407453.1); and 11 more.
Identifiers: ClinVar variation 3147988 (VCV003147988.1), dbSNP rs2149920334, ClinGen allele CA446206650.
Genomic context (GRCh38, chr5:112,840,253, plus strand): 5'-TGGGAATGAAACAGAATCAGAGCAGCCTAAAGAATCAAATGAAAACCAAGAGAAAGAGGC[A>G]GAAAAAACTATTGATTCTGAAAAGGACCTATTAGATGATTCAGATGATGATGATATTGAA-3'
Protein context (NP_000029.2, residues 1543-1563): KESNENQEKE[Ala1553=]EKTIDSEKDL